The following is an entry in ClinVar:

ClinVar aggregate classification (germline): Likely pathogenic. Review status: criteria provided, multiple submitters, no conflicts (2 of 4 stars). 2 submissions from 2 submitters: Likely pathogenic (2). Last evaluated 2026-01-26.

Conditions:
Achondrogenesis type II (ACG2). Also called: ACHONDROGENESIS, LANGER-SALDINO TYPE; CHONDROGENESIS IMPERFECTA. Identifiers: Orphanet 932, Orphanet 93296, MedGen C0220685, MONDO:0008702, OMIM 200610.
Legg-Calve-Perthes disease. Also called: Avascular necrosis of the capital femoral epiphysis; PERTHES DISEASE; Osteochondritis deformans; Coxa plana. Identifiers: Orphanet 2380, MedGen C1442965, MONDO:0007885, OMIM 150600, HP:0005743.
Kniest dysplasia. Identifiers: Orphanet 485, MedGen C0265279, MONDO:0007987, OMIM 156550.
Spondyloperipheral dysplasia. Also called: Spondyloperipheral dysplasia-short ulna syndrome; SPONDYLOPERIPHERAL DYSPLASIA WITH SHORT ULNA. Identifiers: Orphanet 1856, MedGen C0796173, MONDO:0010078, OMIM 271700.
Stickler syndrome type 1 (STL1). Also called: ARTHROOPHTHALMOPATHY, HEREDITARY PROGRESSIVE; STICKLER SYNDROME, MEMBRANOUS VITREOUS TYPE; STICKLER SYNDROME, VITREOUS TYPE 1; COL2A1-Related Stickler Syndrome. Identifiers: Orphanet 828, Orphanet 90653, MedGen C2020284, MONDO:0007160, OMIM 108300.
Platyspondylic dysplasia, Torrance type (PLSDT). Identifiers: Orphanet 85166, MedGen C1835437, MONDO:0007895, OMIM 151210.
Spondylometaphyseal dysplasia, Schmidt type (SMDALG). Also called: SPONDYLOMETAPHYSEAL DYSPLASIA, ALGERIAN TYPE; SPONDYLOMETAPHYSEAL DYSPLASIA WITH SEVERE GENU VALGUM. Identifiers: Orphanet 93316, MedGen C1866688, MONDO:0008478, OMIM 184253.
Spondyloepiphyseal dysplasia congenita (SEDC). Also called: SED CONGENITA; SPONDYLOEPIPHYSEAL DYSPLASIA, CONGENITAL TYPE. Identifiers: Orphanet 94068, MedGen C2745959, MONDO:0008471, OMIM 183900.
Avascular necrosis of femoral head, primary, 1 (ANFH1). Also called: Avascular necrosis of femoral head, primary. Identifiers: Orphanet 86820, MedGen C4551562, MONDO:0054550, OMIM 608805.
Spondyloepiphyseal dysplasia with metatarsal shortening. Also called: Pseudorheumatoid dysplasia progressive, with hypoplastic toes; CZECH DYSPLASIA, METATARSAL TYPE; SPONDYLOEPIPHYSEAL DYSPLASIA WITH PRECOCIOUS OSTEOARTHRITIS. Identifiers: Orphanet 137678, MedGen C1836683, MONDO:0012206, OMIM 609162.
Vitreoretinopathy with phalangeal epiphyseal dysplasia (VPED). Identifiers: MedGen C1852989, MONDO:0031001, OMIM 619248.
Multiple epiphyseal dysplasia, Beighton type. Identifiers: Orphanet 166011, MedGen C1851536, MONDO:0007562, OMIM 132450.
Namaqualand hip dysplasia (OSCDP). Also called: Mild spondyloepiphyseal dysplasia due to COL2A1 mutation with early-onset osteoarthritis. Identifiers: Orphanet 93279, MedGen C0432214, MONDO:0011496, OMIM 604864.
Spondyloepimetaphyseal dysplasia, Strudwick type (SEMDSTWK). Also called: DAPPLED METAPHYSIS SYNDROME; STRUDWICK SYNDROME. Identifiers: Orphanet 93346, MedGen C0700635, MONDO:0008476, OMIM 184250.
Stickler syndrome, type I, nonsyndromic ocular. Also called: STICKLER SYNDROME, TYPE I, PREDOMINANTLY OCULAR; STICKLER SYNDROME, ATYPICAL. Identifiers: MedGen C1836080, MONDO:0012287, OMIM 609508.
Spondyloepiphyseal dysplasia, Stanescu type. Also called: SED, STANESCU TYPE; SPONDYLOEPIMETAPHYSEAL DYSPLASIA, STANESCU TYPE. Identifiers: Orphanet 459051, MedGen C4225273, MONDO:0014701, OMIM 616583.

Allele frequency attached by ClinVar (database versions not stated): TOPMed below 0.00001.
gnomAD v4.1: 4 of 1,614,152 alleles (0.00025%); highest among the groups gnomAD compares: Non-Finnish European, 0.00017%; no homozygotes.

Submissions (2):

Labcorp Genetics (formerly Invitae), Labcorp
Classification: Likely pathogenic. Last evaluated: 2026-01-26. Review status: criteria provided, single submitter. Criteria: Invitae Variant Classification Sherloc (09022015). Collection method: clinical testing. Allele origin: germline.
Comment: This sequence change replaces glycine, which is neutral and non-polar, with serine, which is neutral and polar, at codon 297 of the COL2A1 protein (p.Gly297Ser). This variant is not present in population databases (gnomAD no frequency). This variant has not been reported in the literature in individuals affected with COL2A1-related conditions. ClinVar contains an entry for this variant (Variation ID: 2998327). Invitae Evidence Modeling of protein sequence and biophysical properties (such as structural, functional, and spatial information, amino acid conservation, physicochemical variation, residue mobility, and thermodynamic stability) indicates that this missense variant is expected to disrupt COL2A1 protein function with a positive predictive value of 95%. This variant disrupts the triple helix domain of COL2A1. Glycine residues within the Gly-Xaa-Yaa repeats of the triple helix domain are required for the structure and stability of fibrillar collagens (PMID: 7695699, 8218237, 19344236). In COL2A1, variants affecting these glycine residues are significantly enriched in individuals with disease (PMID: 9016532, 17078022) compared to the general population (ExAC). In summary, the currently available evidence indicates that the variant is pathogenic, but additional data are needed to prove that conclusively. Therefore, this variant has been classified as Likely Pathogenic.

Juno Genomics, Hangzhou Juno Genomics, Inc
Classification: Likely pathogenic for Spondyloepiphyseal dysplasia congenita; Spondyloepiphyseal dysplasia, Stanescu type; Spondyloperipheral dysplasia; Stickler syndrome type 1; Stickler syndrome, type I, nonsyndromic ocular; Spondylometaphyseal dysplasia, Schmidt type; Multiple epiphyseal dysplasia, Beighton type; Vitreoretinopathy with phalangeal epiphyseal dysplasia; Achondrogenesis type II; Avascular necrosis of femoral head, primary, 1; Spondyloepimetaphyseal dysplasia, Strudwick type; Spondyloepiphyseal dysplasia with metatarsal shortening; Kniest dysplasia; Legg-Calve-Perthes disease; Namaqualand hip dysplasia; Platyspondylic dysplasia, Torrance type. Review status: criteria provided, single submitter. Criteria: ACMG Guidelines, 2015. Collection method: clinical testing. Allele origin: germline.
Comment: Absent from controls (or at extremely low frequency if recessive) in Genome Aggregation Database.;Multiple lines of computational evidence support a deleterious effect on the gene or gene product.;Located in a mutational hot spot and/or critical and well-established functional domain without benign variation.;Missense variant in a gene that has a low rate of benign missense variation.;Assumed de novo, but without confirmation of paternity and maternity.

Literature cited by the submitters: PubMed 7695699 (cited by Labcorp Genetics (formerly Invitae), Labcorp); PubMed 8218237 (cited by Labcorp Genetics (formerly Invitae), Labcorp); PubMed 19344236 (cited by Labcorp Genetics (formerly Invitae), Labcorp); PubMed 9016532 (cited by Labcorp Genetics (formerly Invitae), Labcorp); PubMed 17078022 (cited by Labcorp Genetics (formerly Invitae), Labcorp).

NM_001844.5(COL2A1):c.889G>A (p.Gly297Ser)

Gene: COL2A1 (collagen type II alpha 1 chain; minus strand). Cytogenetic location: 12q13.11.
Variant type: single nucleotide variant.
Coding change: c.889G>A on transcript NM_001844.5 (MANE Select); coding-DNA position 889, G replaced by A.
Protein change: p.Gly297Ser; replaces glycine 297 with serine.
Molecular consequence: missense variant.
Genome position (GRCh38, 1-based): chr12:47,993,844, C>T on the plus strand (G>A on the coding strand, the complement: COL2A1 is on the minus strand). VCF-style: chr12-47993844-C-T. GRCh37 (hg19) VCF-style: chr12-48387627-C-T.
Other names: c.682G>A, p.Gly228Ser (NM_033150.3); short protein forms G228S, G297S.
Identifiers: ClinVar variation 2998327 (VCV002998327.5), dbSNP rs1939822204, ClinGen allele CA384521927.
Genomic context (GRCh38, chr12:47,993,844, plus strand): 5'-CCCATTGTACTTTCTGGCCTCTCACCTTCACACCAGGAGCACCCGCCTCTCCCTTAGCAC[C>T]GTCCAGGCCTGGATAACCCTAGGGAACAAGAGAAAATGTTCAATCAGACTTCTGGGAAAC-3'
Protein context (NP_001835.3, residues 287-307): KGHRGYPGLD[Gly297Ser]AKGEAGAPGV